The following is an entry in ClinVar:

NM_015972.4(POLR1D):c.89_117del (p.Val30fs)

Genes: POLR1D (RNA polymerase I and III subunit D; plus strand), LOC147380392 (uncharacterized LOC147380392; plus strand). Cytogenetic location: 13q12.2.
Variant type: Deletion.
Coding change: c.89_117del on transcript NM_015972.4 (MANE Select); coding-DNA positions 89 to 117, 29 bases deleted (TCCAGGCAGCTGGAACAGATAGACACTGT).
Protein change: p.Val30fs; shifts the reading frame from valine 30.
Molecular consequence: frameshift variant. On other transcripts: intron variant (2).
Genome position (GRCh38, 1-based): chr13:27,622,937-27,622,965, TCCAGGCAGCTGGAACAGATAGACACTGT deleted. VCF-style (leftmost placement, unchanged base first): chr13-27622936-GTCCAGGCAGCTGGAACAGATAGACACTGT-G. GRCh37 (hg19) VCF-style: chr13-28197073-GTCCAGGCAGCTGGAACAGATAGACACTGT-G.
Other names: c.89_117del, p.Val30fs (NM_001374407.1); c.-59+1797_-59+1825del (NM_001206559.2); c.26+928_26+956del (NM_152705.3); short protein forms V30fs.
Identifiers: ClinVar variation 1705417 (VCV001705417.1), dbSNP rs2500474424, ClinGen allele CA2580086864.

ClinVar aggregate classification (germline): Likely pathogenic (1 of 4 stars; one submission).

Conditions:
Treacher Collins syndrome 2 (TCS2). Also called: POLR1D-Related Treacher Collins Syndrome; TREACHER COLLINS SYNDROME 2, AUTOSOMAL RECESSIVE. Identifiers: Orphanet 861, MedGen C3150983, MONDO:0013385, OMIM 613717.

Submission:

3billion
Classification: Likely pathogenic for Treacher Collins syndrome 2. Last evaluated: 2022-09-01. Review status: criteria provided, single submitter. Criteria: ACMG Guidelines, 2015. Collection method: clinical testing. Allele origin: germline. Affected: yes. Observed: 1 heterozygote.
Comment: The variant is not observed in the gnomAD v2.1.1 dataset. Frameshift variant is predicted to result in a loss or disruption of normal protein function through protein truncation. The predicted truncated protein may be shortened by more than 10%. Therefore, this variant is classified as Likely pathogenic according to the recommendation of ACMG/AMP guideline.